The following is an entry in ClinVar:

ClinVar aggregate classification (germline): Uncertain significance (1 of 4 stars; one submission).

Conditions:
Generalized pustular psoriasis. Identifiers: Orphanet 247353, MedGen C0343055, MONDO:0100491.

Submission:

Labcorp Genetics (formerly Invitae), Labcorp
Classification: Uncertain significance for Generalized pustular psoriasis. Last evaluated: 2023-09-05. Review status: criteria provided, single submitter. Criteria: Invitae Variant Classification Sherloc (09022015). Collection method: clinical testing. Allele origin: germline.
Comment: This sequence change replaces alanine, which is neutral and non-polar, with threonine, which is neutral and polar, at codon 33 of the IL36RN protein (p.Ala33Thr). This variant is not present in population databases (gnomAD no frequency). This variant has not been reported in the literature in individuals affected with IL36RN-related conditions. Algorithms developed to predict the effect of missense changes on protein structure and function output the following: SIFT: "Not Available"; PolyPhen-2: "Benign"; Align-GVGD: "Not Available". The threonine amino acid residue is found in multiple mammalian species, which suggests that this missense change does not adversely affect protein function. In summary, the available evidence is currently insufficient to determine the role of this variant in disease. Therefore, it has been classified as a Variant of Uncertain Significance.

NM_012275.3(IL36RN):c.97G>A (p.Ala33Thr)

Gene: IL36RN (interleukin 36 receptor antagonist; plus strand). Cytogenetic location: 2q14.1.
Variant type: single nucleotide variant.
Coding change: c.97G>A on transcript NM_012275.3 (MANE Select); coding-DNA position 97, G replaced by A.
Protein change: p.Ala33Thr; replaces alanine 33 with threonine.
Molecular consequence: missense variant.
Genome position (GRCh38, 1-based): chr2:113,060,919, G>A. VCF-style: chr2-113060919-G-A. GRCh37 (hg19) VCF-style: chr2-113818496-G-A.
Other names: c.97G>A, p.Ala33Thr (NM_173170.1); short protein forms A33T.
Identifiers: ClinVar variation 2755598 (VCV002755598.3), dbSNP rs2466803136, ClinGen allele CA348289373.
Genomic context (GRCh38, chr2:113,060,919, plus strand): 5'-GACTCGGCATTGAAGGTGCTTTATCTGCATAATAACCAGCTTCTAGCTGGAGGGCTGCAT[G>A]CAGGGAAGGTCATTAAAGGTTGGTGATGAAACATGACCCACTTTCCTTGGTCTCTATACA-3'
Protein context (NP_036407.1, residues 23-43): NNQLLAGGLH[Ala33Thr]GKVIKGEEIS